The following is an entry in ClinVar:

ClinVar aggregate classification (germline): Uncertain significance (1 of 4 stars; one submission).

Allele frequency attached by ClinVar (database versions not stated): ExAC 0.00001.
gnomAD v4.1: 1 of 1,612,760 alleles (0.000062%); highest among the groups gnomAD compares: Non-Finnish European, 0.000085%; no homozygotes.

Submission:

Ambry Genetics
Classification: Uncertain significance. Last evaluated: 2023-01-07. Review status: criteria provided, single submitter. Criteria: Ambry Variant Classification Scheme 2023. Collection method: clinical testing. Allele origin: germline.
Comment: The p.F1558L variant (also known as c.4672T>C), located in coding exon 16 of the POLQ gene, results from a T to C substitution at nucleotide position 4672. The phenylalanine at codon 1558 is replaced by leucine, an amino acid with highly similar properties. This amino acid position is conserved. In addition, this alteration is predicted to be tolerated by in silico analysis. Since supporting evidence is limited at this time, the clinical significance of this alteration remains unclear.

NM_199420.4(POLQ):c.4672T>C (p.Phe1558Leu)

Gene: POLQ (DNA polymerase theta; minus strand). Cytogenetic location: 3q13.33.
Variant type: single nucleotide variant.
Coding change: c.4672T>C on transcript NM_199420.4 (MANE Select); coding-DNA position 4672, T replaced by C.
Protein change: p.Phe1558Leu; replaces phenylalanine 1558 with leucine.
Molecular consequence: missense variant.
Genome position (GRCh38, 1-based): chr3:121,488,259, A>G on the plus strand (T>C on the coding strand, the complement: POLQ is on the minus strand). VCF-style: chr3-121488259-A-G. GRCh37 (hg19) VCF-style: chr3-121207106-A-G.
Other names: short protein forms F1558L.
Identifiers: ClinVar variation 2448972 (VCV002448972.2), dbSNP rs755875154, ClinGen allele CA2562860.